The following is an entry in ClinVar:

ClinVar aggregate classification (germline): Likely benign. Review status: criteria provided, multiple submitters, no conflicts (2 of 4 stars). 2 submissions from 2 submitters: Likely benign (2). Last evaluated 2024-10-23.

Allele frequency attached by ClinVar (database versions not stated): ESP Exome Variant Server 0.00015; TOPMed 0.00028; gnomAD 0.00034; ExAC 0.00070.

Submissions (2):

Blueprint Genetics
Classification: Likely benign. Last evaluated: 2024-10-23. Review status: criteria provided, single submitter. Criteria: ACMG Guidelines, 2015. Collection method: clinical testing. Allele origin: germline.

CeGaT Center for Human Genetics Tuebingen
Classification: Likely benign. Last evaluated: 2022-12-01. Review status: criteria provided, single submitter. Criteria: CeGaT Center For Human Genetics Tuebingen Variant Classification Criteria Version 2. Collection method: clinical testing. Allele origin: germline. Affected: yes. Observed: 1 variant allele.
Comment: TDRD9: BP4, BP7

NM_153046.3(TDRD9):c.4005G>A (p.Lys1335=)

Gene: TDRD9 (tudor domain containing 9; plus strand). Cytogenetic location: 14q32.33.
Variant type: single nucleotide variant.
Coding change: c.4005G>A on transcript NM_153046.3 (MANE Select); coding-DNA position 4005, G replaced by A.
Protein change: p.Lys1335=; no amino-acid change (lysine 1335 retained).
Molecular consequence: synonymous variant.
Genome position (GRCh38, 1-based): chr14:104,049,638, G>A. VCF-style: chr14-104049638-G-A. GRCh37 (hg19) VCF-style: chr14-104515975-G-A.
Identifiers: ClinVar variation 2644595 (VCV002644595.25), dbSNP rs149586791, ClinGen allele CA7369205.